The following is an entry in ClinVar:

NM_003185.4(TAF4):c.872del (p.Pro291fs)

Gene: TAF4 (TATA-box binding protein associated factor 4; minus strand). Cytogenetic location: 20q13.33.
Variant type: Deletion.
Coding change: c.872del on transcript NM_003185.4 (MANE Select); coding-DNA position 872, one base deleted (C; older notation c.872delC).
Protein change: p.Pro291fs; shifts the reading frame from proline 291.
Molecular consequence: frameshift variant.
Genome position (GRCh38, 1-based): chr20:62,064,939, G deleted on the plus strand (C on the coding strand, the reverse complement: TAF4 is on the minus strand); the first of 5 consecutive G bases (chr20:62,064,939-62,064,943); deleting any one gives the same sequence. VCF-style (leftmost placement, unchanged base first): chr20-62064938-CG-C. GRCh37 (hg19) VCF-style: chr20-60639994-CG-C.
Other names: short protein forms P291fs.
Identifiers: ClinVar variation 4883948 (VCV004883948.2).

ClinVar aggregate classification (germline): Uncertain significance (1 of 4 stars; one submission).

Conditions:
Intellectual developmental disorder, autosomal dominant 73 (MRD73). Also called: TAF4-RELATED NDD; TAF4-RELATED NEURODEVELOPMENTAL DISORDER. Identifiers: MedGen C5830636, MONDO:0957536, OMIM 620450.

Submission:

Dasa
Classification: Uncertain significance for Intellectual developmental disorder, autosomal dominant 73. Last evaluated: 2026-01-17. Review status: criteria provided, single submitter. Criteria: DASA Assertion Criteria. Collection method: clinical testing. Allele origin: germline.
Comment: NM_003185.4(TAF4):c.872del (p.Pro291Argfs*118) is a frameshift variant in TAF4 predicted to alter the reading frame and introduce a premature termination codon and is predicted to result in an absent or altered protein product. This variant is rare in population databases. The currently available literature and clinical evidence are not sufficient to establish a definitive association between this variant and the reported condition. Therefore, this variant is classified as a variant of uncertain significance.